The following is an entry in ClinVar:

ClinVar aggregate classification (germline): Pathogenic (1 of 4 stars; one submission).

Conditions:
Primary ciliary dyskinesia. Also called: Ciliary dyskinesia. Identifiers: Orphanet 244, MedGen C0008780, MONDO:0016575, HP:0012265.

Submission:

Labcorp Genetics (formerly Invitae), Labcorp
Classification: Pathogenic for Primary ciliary dyskinesia. Last evaluated: 2022-02-17. Review status: criteria provided, single submitter. Criteria: Invitae Variant Classification Sherloc (09022015). Collection method: clinical testing. Allele origin: germline.
Comment: This variant has not been reported in the literature in individuals affected with RPGR-related conditions. This variant is not present in population databases (gnomAD no frequency). This sequence change creates a premature translational stop signal (p.Thr265Tyrfs*18) in the RPGR gene. It is expected to result in an absent or disrupted protein product. Loss-of-function variants in RPGR are known to be pathogenic (PMID: 16055928, 16969763). For these reasons, this variant has been classified as Pathogenic.

Literature cited by the submitters: PubMed 16055928; PubMed 16969763.

NM_001034853.2(RPGR):c.792dup (p.Thr265fs)

Gene: RPGR (retinitis pigmentosa GTPase regulator; minus strand). Cytogenetic location: Xp11.4.
Variant type: Duplication.
Coding change: c.792dup on transcript NM_001034853.2 (MANE Select); coding-DNA position 792, one base duplicated (T; older notation c.792dupT).
Protein change: p.Thr265fs; shifts the reading frame from threonine 265.
Molecular consequence: frameshift variant. On other transcripts: non-coding transcript variant (5).
Genome position (GRCh38, 1-based): chrX:38,304,777, A duplicated on the plus strand (T on the coding strand, the reverse complement: RPGR is on the minus strand). VCF-style (leftmost placement, unchanged base first): chrX-38304776-T-TA. GRCh37 (hg19) VCF-style: chrX-38164029-T-TA.
Other names: c.792dup, p.Thr265fs (NM_000328.3, NM_001367246.1, NM_001367247.1 and 1 more transcripts); c.789dup, p.Thr264fs (NM_001367245.1, NM_001367249.1, NM_001367250.1); c.822dup, p.Thr275fs (NM_001367248.1); short protein forms T265fs, T275fs, T264fs.
Identifiers: ClinVar variation 2097945 (VCV002097945.4), dbSNP rs2519847459, ClinGen allele CA2580100982.